The following is an entry in ClinVar:

ClinVar aggregate classification (germline): Uncertain significance (1 of 4 stars; one submission).

Submission:

Labcorp Genetics (formerly Invitae), Labcorp
Classification: Uncertain significance. Last evaluated: 2025-07-23. Review status: criteria provided, single submitter. Criteria: Invitae Variant Classification Sherloc (09022015). Collection method: clinical testing. Allele origin: germline.
Comment: This sequence change replaces leucine, which is neutral and non-polar, with phenylalanine, which is neutral and non-polar, at codon 1297 of the CACNA1F protein (p.Leu1297Phe). This variant is not present in population databases (gnomAD no frequency). This variant has not been reported in the literature in individuals affected with CACNA1F-related conditions. Invitae Evidence Modeling of protein sequence and biophysical properties (such as structural, functional, and spatial information, amino acid conservation, physicochemical variation, residue mobility, and thermodynamic stability) indicates that this missense variant is expected to disrupt CACNA1F protein function with a positive predictive value of 80%. In summary, the available evidence is currently insufficient to determine the role of this variant in disease. Therefore, it has been classified as a Variant of Uncertain Significance.

NM_001256789.3(CACNA1F):c.3856C>T (p.Leu1286Phe)

Gene: CACNA1F (calcium voltage-gated channel subunit alpha1 F; minus strand). Cytogenetic location: Xp11.23.
Variant type: single nucleotide variant.
Coding change: c.3856C>T on transcript NM_001256789.3 (MANE Select); coding-DNA position 3856, C replaced by T.
Protein change: p.Leu1286Phe; replaces leucine 1286 with phenylalanine.
Molecular consequence: missense variant.
Genome position (GRCh38, 1-based): chrX:49,212,753, G>A on the plus strand (C>T on the coding strand, the complement: CACNA1F is on the minus strand). VCF-style: chrX-49212753-G-A. GRCh37 (hg19) VCF-style: chrX-49069213-G-A.
Other names: c.3694C>T, p.Leu1232Phe (NM_001256790.3); c.3889C>T, p.Leu1297Phe (NM_005183.4); short protein forms L1297F, L1232F, L1286F.
Identifiers: ClinVar variation 4701287 (VCV004701287.1).
Genomic context (GRCh38, chrX:49,212,753, plus strand): 5'-GCAATGTGCGGATCCCTTCACCCTTACTGAGAAGCTTGACCAGCCGCATAACTCGGAAGA[G>A]GCGAAAGAAGGTAATGGAAATGCGGGAGCTGTCCTCAGAGCTCTGGGGTGAGGGGTGCAG-3'
Protein context (NP_001243718.1, residues 1276-1296): SSRISITFFR[Leu1286Phe]FRVMRLVKLL